The following is an entry in ClinVar:

ClinVar aggregate classification (germline): Likely benign (1 of 4 stars; one submission).

Allele frequency attached by ClinVar (database versions not stated): gnomAD exomes 0.00002; ExAC 0.00026.
gnomAD v4.1: 16 of 768,320 alleles (0.0021%); highest among the groups gnomAD compares: South Asian, 0.0076%; no homozygotes.

Submissions (2):

CeGaT Center for Human Genetics Tuebingen
Classification: Likely benign. Last evaluated: 2024-05-01. Review status: criteria provided, single submitter. Criteria: CeGaT Center For Human Genetics Tuebingen Variant Classification Criteria Version 2. Collection method: clinical testing. Allele origin: germline. Affected: yes. Observed: 1 variant allele.
Comment: FMN2: BP4, BP7

Dr. Peter K. Rogan Lab, Western University
No classification provided (evidence only). Condition: Ovarian serous cystadenocarcinoma. Review status: no classification provided. Collection method: in vitro. Allele origin: not applicable. Functional consequence: retained intron. Not counted in ClinVar's aggregate classification.

NM_020066.5(FMN2):c.3414G>A (p.Ala1138=)

Gene: FMN2 (formin 2; plus strand). Cytogenetic location: 1q43.
Variant type: single nucleotide variant.
Coding change: c.3414G>A on transcript NM_020066.5 (MANE Select); coding-DNA position 3414, G replaced by A.
Protein change: p.Ala1138=; no amino-acid change (alanine 1138 retained).
Molecular consequence: synonymous variant. On other transcripts: intron variant (1).
Genome position (GRCh38, 1-based): chr1:240,208,226, G>A. VCF-style: chr1-240208226-G-A. GRCh37 (hg19) VCF-style: chr1-240371526-G-A.
Other names: NC_000001.10:g.240371526G>A; c.3426G>A, p.Ala1142= (NM_001305424.2); c.1986+19964G>A (NM_001348094.2).
Identifiers: ClinVar variation 3239190 (VCV003239190.20), dbSNP rs200036152.